The following is an entry in ClinVar:

ClinVar aggregate classification (germline): Conflicting classifications of pathogenicity. Review status: criteria provided, conflicting classifications (1 of 4 stars). 4 submissions from 4 submitters: Uncertain significance (3); Likely benign (1). Last evaluated 2025-03-24.

Conditions:
Fanconi anemia (FA). Also called: Fanconi's anemia. Identifiers: Orphanet 84, MedGen C0015625, MeSH D005199, MONDO:0019391.
Fanconi anemia complementation group P. Also called: SLX4-Related Fanconi Anemia. Identifiers: Orphanet 84, MedGen C3469542, MONDO:0013499, OMIM 613951.

Allele frequency attached by ClinVar (database versions not stated): gnomAD 0.00001 and 0.00003; TOPMed 0.00003; gnomAD exomes 0.00008 and 0.00016; 1000 Genomes Project 30x 0.00016; ExAC 0.00018; 1000 Genomes Project 0.00020.
gnomAD v4.1: 126 of 1,614,000 alleles (0.0078%); highest among the groups gnomAD compares: South Asian, 0.048%; 3 homozygotes.

Submissions (4):

Labcorp Genetics (formerly Invitae), Labcorp
Classification: Uncertain significance for Fanconi anemia. Last evaluated: 2025-03-24. Review status: criteria provided, single submitter. Criteria: Invitae Variant Classification Sherloc (09022015). Collection method: clinical testing. Allele origin: germline.
Comment: This sequence change replaces serine, which is neutral and polar, with phenylalanine, which is neutral and non-polar, at codon 1309 of the SLX4 protein (p.Ser1309Phe). This variant is present in population databases (rs556682517, gnomAD 0.06%). This missense change has been observed in individual(s) with clinical features of Fanconi anemia (PMID: 30995915). ClinVar contains an entry for this variant (Variation ID: 456316). An algorithm developed to predict the effect of missense changes on protein structure and function (PolyPhen-2) suggests that this variant is likely to be disruptive. In summary, the available evidence is currently insufficient to determine the role of this variant in disease. Therefore, it has been classified as a Variant of Uncertain Significance.

Blueprint Genetics
Classification: Likely benign. Last evaluated: 2024-11-25. Review status: criteria provided, single submitter. Criteria: ACMG Guidelines, 2015. Collection method: clinical testing. Allele origin: germline.

Baylor Genetics
Classification: Uncertain significance for Fanconi anemia complementation group P. Last evaluated: 2023-07-19. Review status: criteria provided, single submitter. Criteria: ACMG Guidelines, 2015. Collection method: clinical testing. Allele origin: unknown.

Fulgent Genetics
Classification: Uncertain significance for Fanconi anemia complementation group P. Last evaluated: 2022-04-12. Review status: criteria provided, single submitter. Criteria: ACMG Guidelines, 2015. Collection method: clinical testing. Allele origin: unknown.

Literature cited by the submitters: PubMed 30995915 (cited by Labcorp Genetics (formerly Invitae), Labcorp).

NM_032444.4(SLX4):c.3926C>T (p.Ser1309Phe)

Gene: SLX4 (SLX4 structure-specific endonuclease subunit; minus strand). Cytogenetic location: 16p13.3.
Variant type: single nucleotide variant.
Coding change: c.3926C>T on transcript NM_032444.4 (MANE Select); coding-DNA position 3926, C replaced by T.
Protein change: p.Ser1309Phe; replaces serine 1309 with phenylalanine.
Molecular consequence: missense variant.
Genome position (GRCh38, 1-based): chr16:3,589,712, G>A on the plus strand (C>T on the coding strand, the complement: SLX4 is on the minus strand). VCF-style: chr16-3589712-G-A. GRCh37 (hg19) VCF-style: chr16-3639713-G-A.
Other names: c.3926C>T (LRG_503t1); short protein forms S1309F.
Identifiers: ClinVar variation 456316 (VCV000456316.11), dbSNP rs556682517, ClinGen allele CA7865787.